The following is an entry in ClinVar:

ClinVar aggregate classification (germline): Uncertain significance (1 of 4 stars; one submission).

Submission:

CeGaT Center for Human Genetics Tuebingen
Classification: Uncertain significance. Last evaluated: 2024-07-01. Review status: criteria provided, single submitter. Criteria: CeGaT Center For Human Genetics Tuebingen Variant Classification Criteria Version 2. Collection method: clinical testing. Allele origin: germline. Affected: yes. Observed: 1 variant allele.
Comment: SETD2: PM2, BP4

NM_014159.7(SETD2):c.2563A>G (p.Ser855Gly)

Gene: SETD2 (SET domain containing 2, histone lysine methyltransferase; minus strand). Cytogenetic location: 3p21.31.
Variant type: single nucleotide variant.
Coding change: c.2563A>G on transcript NM_014159.7 (MANE Select); coding-DNA position 2563, A replaced by G.
Protein change: p.Ser855Gly; replaces serine 855 with glycine.
Molecular consequence: missense variant. On other transcripts: non-coding transcript variant (1).
Genome position (GRCh38, 1-based): chr3:47,122,073, T>C on the plus strand (A>G on the coding strand, the complement: SETD2 is on the minus strand). VCF-style: chr3-47122073-T-C. GRCh37 (hg19) VCF-style: chr3-47163563-T-C.
Other names: c.2431A>G, p.Ser811Gly (NM_001349370.3); short protein forms S811G, S855G.
Identifiers: ClinVar variation 3257057 (VCV003257057.17).